The following is an entry in ClinVar:

NM_002485.5(NBN):c.37+2dup

Gene: NBN (nibrin; minus strand). Cytogenetic location: 8q21.3.
Variant type: Duplication.
Coding change: c.37+2dup on transcript NM_002485.5 (MANE Select); the canonical splice donor site of the intron after coding-DNA position 37, one base duplicated (T; older notation c.37+2dupT).
Molecular consequence: splice donor variant.
Genome position (GRCh38, 1-based): chr8:89,984,523, A duplicated on the plus strand (T on the coding strand, the reverse complement: NBN is on the minus strand). VCF-style (leftmost placement, unchanged base first): chr8-89984522-T-TA. GRCh37 (hg19) VCF-style: chr8-90996750-T-TA.
Other names: c.37+2dupT (NM_002485.4, NM_002485.5); c.-260+2dup (NM_001024688.3).
Identifiers: ClinVar variation 229769 (VCV000229769.22), dbSNP rs876658183, ClinGen allele CA10578820.

ClinVar aggregate classification (germline): Conflicting classifications of pathogenicity. Review status: criteria provided, conflicting classifications (1 of 4 stars). 6 submissions from 6 submitters: Likely pathogenic (2); Uncertain significance (4). Last evaluated 2023-11-17.

Conditions:
Hereditary cancer-predisposing syndrome. Also called: Hereditary Cancer Syndrome; Neoplastic Syndromes, Hereditary; Tumor predisposition; Hereditary neoplastic syndrome. Identifiers: Orphanet 140162, MedGen C0027672, MeSH D009386, MONDO:0015356.
Aplastic anemia. Identifiers: Orphanet 182040, Orphanet 88, MedGen C0002874, MONDO:0015909, OMIM 609135, HP:0001915.
Microcephaly, normal intelligence and immunodeficiency (NBS). Also called: BERLIN BREAKAGE SYNDROME; Ataxia telangiectasia variant V1; IMMUNODEFICIENCY, MICROCEPHALY, AND CHROMOSOMAL INSTABILITY; SEEMANOVA SYNDROME II; Nijmegen breakage syndrome; Microcephaly with normal intelligence immunodeficiency and lymphoreticular malignancies. Identifiers: Orphanet 647, MedGen C0398791, MONDO:0009623, OMIM 251260.

Allele frequency attached by ClinVar (database versions not stated): TOPMed 0.00001.

Submissions (6):

Women's Health and Genetics/Laboratory Corporation of America, LabCorp
Classification: Uncertain significance. Last evaluated: 2023-11-17. Review status: criteria provided, single submitter. Criteria: LabCorp Variant Classification Summary - May 2015. Collection method: clinical testing. Allele origin: germline.
Comment: Variant summary: NBN c.37+2dupT alters a conserved nucleotide located close to a canonical splice site and therefore could affect mRNA splicing, leading to a significantly altered protein sequence. Several computational tools predict a significant impact on normal splicing: Two predict the variant abolishes the canonical 5' splicing donor site. Two predict the variant weakens the canonical 5' donor site. However, these predictions have yet to be confirmed by functional studies. The variant was absent in 245572 control chromosomes. The available data on variant occurrences in the general population are insufficient to allow any conclusion about variant significance. c.37+2dupT has been reported in the literature as a heterozygous carrier genotype along with a co-occurring heterozygous RAD51D variant (c.556C>T, p.R186*) in at-least one individual with breast cancer diagnosed at age 54 (Belhadj_2023). To our knowledge, this variant has not been reported in the literature in individuals affected with Nijmegen Breakage Syndrome (NBS). As the possibility of a likely pathogenic carrier status for NBS or a risk association for NBN-associated cancer cannot be entirely excluded, this report does not provide unequivocal conclusions about association of the variant with Nijmegen Breakage Syndrome and/or Breast Cancer. To our knowledge, no experimental evidence demonstrating an impact on protein function has been reported. The following publication have been ascertained in the context of this evaluation (PMID: 36346689). Four submitters have cited clinical-significance assessments for this variant to ClinVar after 2014. Based on the evidence outlined above, the variant was classified as VUS-possibly pathogenic.

Labcorp Genetics (formerly Invitae), Labcorp
Classification: Uncertain significance for Microcephaly, normal intelligence and immunodeficiency. Last evaluated: 2023-09-12. Review status: criteria provided, single submitter. Criteria: Invitae Variant Classification Sherloc (09022015). Collection method: clinical testing. Allele origin: germline.
Comment: Variants that disrupt the consensus splice site are a relatively common cause of aberrant splicing (PMID: 17576681, 9536098). Studies have shown that this variant is associated with altered splicing resulting in multiple RNA products (Invitae). In summary, the available evidence is currently insufficient to determine the role of this variant in disease. Therefore, it has been classified as a Variant of Uncertain Significance. ClinVar contains an entry for this variant (Variation ID: 229769). This variant has not been reported in the literature in individuals affected with NBN-related conditions. This variant is not present in population databases (gnomAD no frequency). This sequence change falls in intron 1 of the NBN gene. It does not directly change the encoded amino acid sequence of the NBN protein. It affects a nucleotide within the consensus splice site.

Ambry Genetics
Classification: Likely pathogenic for Hereditary cancer-predisposing syndrome. Last evaluated: 2023-04-03. Review status: criteria provided, single submitter. Criteria: Ambry Variant Classification Scheme 2023. Collection method: clinical testing. Allele origin: germline.
Comment: The c.37+2dupT intronic variant, results from a duplication of a single nucleotide at two nucleotides after coding exon 1 of the NBN gene. This nucleotide position is highly conserved in available vertebrate species. In silico splice site analysis predicts that this alteration will weaken the native splice donor site and may result in the creation or strengthening of a novel splice donor site; however, direct evidence is insufficient at this time (Ambry internal data). Alterations that disrupt the canonical splice site are expected to cause aberrant splicing, resulting in an abnormal protein or a transcript that is subject to nonsense-mediated mRNA decay. As such, this alteration is classified as likely pathogenic.

Genome-Nilou Lab
Classification: Uncertain significance for Microcephaly, normal intelligence and immunodeficiency. Last evaluated: 2021-11-07. Review status: criteria provided, single submitter. Criteria: ACMG Guidelines, 2015. Collection method: clinical testing. Allele origin: germline. Affected: no.

Baylor Genetics
Classification: Likely pathogenic for Aplastic anemia. Last evaluated: 2021-10-21. Review status: criteria provided, single submitter. Criteria: ACMG Guidelines, 2015. Collection method: clinical testing. Allele origin: unknown.

Mendelics
Classification: Uncertain significance for Microcephaly, normal intelligence and immunodeficiency. Last evaluated: 2019-05-28. Review status: criteria provided, single submitter. Criteria: Mendelics Assertion Criteria 2017. Collection method: clinical testing. Allele origin: unknown.

Literature cited by the submitters: PubMed 36346689 (cited by Women's Health and Genetics/Laboratory Corporation of America, LabCorp); PubMed 17576681 (cited by Labcorp Genetics (formerly Invitae), Labcorp); PubMed 9536098 (cited by Labcorp Genetics (formerly Invitae), Labcorp).